The following is an entry in ClinVar:

NM_001851.6(COL9A1):c.1141G>A (p.Val381Ile)

Gene: COL9A1 (collagen type IX alpha 1 chain; minus strand). Cytogenetic location: 6q13.
Variant type: single nucleotide variant.
Coding change: c.1141G>A on transcript NM_001851.6 (MANE Select); coding-DNA position 1141, G replaced by A.
Protein change: p.Val381Ile; replaces valine 381 with isoleucine.
Molecular consequence: missense variant. On other transcripts: non-coding transcript variant (1).
Genome position (GRCh38, 1-based): chr6:70,271,657, C>T on the plus strand (G>A on the coding strand, the complement: COL9A1 is on the minus strand). VCF-style: chr6-70271657-C-T. GRCh37 (hg19) VCF-style: chr6-70981360-C-T.
Other names: c.1141G>A (NM_001851.4); c.412G>A, p.Val138Ile (NM_001377289.1, NM_001377290.1, NM_078485.4); short protein forms V381I, V138I.
Identifiers: ClinVar variation 1492946 (VCV001492946.6), dbSNP rs1245320559, ClinGen allele CA364682118.
Genomic context (GRCh38, chr6:70,271,657, plus strand): 5'-CAAATAACATCTTCTATTAAATCAGCAAACGTCTATCAAAGTGCACTGTGGTACTCACAA[C>T]AGGTCCTACACGGCCAAGCTCTCCAGGGAGTCCTGCTGTCCCAGGAGGACCCTGAAGTCA-3'
Protein context (NP_001842.3, residues 371-391): LPGELGRVGP[Val381Ile]GDPGRRGPPG

ClinVar aggregate classification (germline): Uncertain significance. Review status: criteria provided, multiple submitters, no conflicts (2 of 4 stars). 2 submissions from 2 submitters: Uncertain significance (2). Last evaluated 2026-07-10.

Conditions:
COL9A1-related disorder. Also called: COL9A1-related condition; COL9A1-related disorders.

Allele frequency attached by ClinVar (database versions not stated): TOPMed 0.00003; gnomAD 0.00004.
gnomAD v4.1: 26 of 1,613,668 alleles (0.0016%); highest among the groups gnomAD compares: Non-Finnish European, 0.0021%; no homozygotes.

Submissions (2):

PreventionGenetics, part of Exact Sciences
Classification: Uncertain significance for COL9A1-related condition. Last evaluated: 2026-07-10. Review status: criteria provided, single submitter. Criteria: ACMG Guidelines, 2015. Collection method: clinical testing. Allele origin: germline.
Comment: The COL9A1 c.1141G>A variant is predicted to result in the amino acid substitution p.Val381Ile. To our knowledge, this variant has not been reported in the literature. This variant is reported in 0.00088% of alleles in individuals of European (Non-Finnish) descent in gnomAD. At this time, the clinical significance of this variant is uncertain due to the absence of conclusive functional and genetic evidence.

Labcorp Genetics (formerly Invitae), Labcorp
Classification: Uncertain significance. Last evaluated: 2022-08-29. Review status: criteria provided, single submitter. Criteria: Invitae Variant Classification Sherloc (09022015). Collection method: clinical testing. Allele origin: germline.
Comment: This sequence change replaces valine, which is neutral and non-polar, with isoleucine, which is neutral and non-polar, at codon 381 of the COL9A1 protein (p.Val381Ile). This variant is present in population databases (no rsID available, gnomAD 0.0009%). This variant has not been reported in the literature in individuals affected with COL9A1-related conditions. ClinVar contains an entry for this variant (Variation ID: 1492946). Algorithms developed to predict the effect of missense changes on protein structure and function output the following: SIFT: "Tolerated"; PolyPhen-2: "Benign"; Align-GVGD: "Class C0". The isoleucine amino acid residue is found in multiple mammalian species, which suggests that this missense change does not adversely affect protein function. In summary, the available evidence is currently insufficient to determine the role of this variant in disease. Therefore, it has been classified as a Variant of Uncertain Significance.